The following is an entry in ClinVar:

NM_017777.4(MKS1):c.663T>G (p.Tyr221Ter)

Gene: MKS1 (MKS transition zone complex subunit 1; minus strand). Cytogenetic location: 17q22.
Variant type: single nucleotide variant.
Coding change: c.663T>G on transcript NM_017777.4 (MANE Select); coding-DNA position 663, T replaced by G.
Protein change: p.Tyr221Ter; replaces tyrosine 221 with a stop codon.
Molecular consequence: nonsense.
Genome position (GRCh38, 1-based): chr17:58,213,851, A>C on the plus strand (T>G on the coding strand, the complement: MKS1 is on the minus strand). VCF-style: chr17-58213851-A-C. GRCh37 (hg19) VCF-style: chr17-56291212-A-C.
Other names: c.54T>G, p.Tyr18Ter (NM_001321268.2); c.663T>G, p.Tyr221Ter (NM_001321269.2, NM_001330397.2, NM_001411113.1); short protein forms Y221*, Y18*.
Identifiers: ClinVar variation 2944205 (VCV002944205.3), dbSNP rs1597993685, ClinGen allele CA400326759.

ClinVar aggregate classification (germline): Pathogenic (1 of 4 stars; one submission).

Conditions:
Joubert syndrome. Also called: CEREBELLOPARENCHYMAL DISORDER IV; JOUBERT-BOLTSHAUSER SYNDROME; Familial aplasia of the vermis. Identifiers: Orphanet 475, MedGen C5979921, MONDO:0018772.
Meckel-Gruber syndrome. Also called: DYSENCEPHALIA SPLANCHNOCYSTICA; GRUBER SYNDROME; Dysencephalia splachnocystica. Identifiers: Orphanet 564, MedGen C0265215, MONDO:0018921.

Submission:

Labcorp Genetics (formerly Invitae), Labcorp
Classification: Pathogenic for Joubert syndrome; Meckel-Gruber syndrome. Last evaluated: 2023-02-13. Review status: criteria provided, single submitter. Criteria: Invitae Variant Classification Sherloc (09022015). Collection method: clinical testing. Allele origin: germline.
Comment: For these reasons, this variant has been classified as Pathogenic. This variant has not been reported in the literature in individuals affected with MKS1-related conditions. This variant is not present in population databases (gnomAD no frequency). This sequence change creates a premature translational stop signal (p.Tyr221*) in the MKS1 gene. It is expected to result in an absent or disrupted protein product. Loss-of-function variants in MKS1 are known to be pathogenic (PMID: 19466712, 24886560, 26490104).

Literature cited by the submitters: PubMed 19466712; PubMed 24886560; PubMed 26490104.